The following is an entry in ClinVar:

ClinVar aggregate classification (germline): Likely benign (1 of 4 stars; one submission).

Submission:

CeGaT Center for Human Genetics Tuebingen
Classification: Likely benign. Last evaluated: 2026-09-01. Review status: criteria provided, single submitter. Criteria: CeGaT Center For Human Genetics Tuebingen Variant Classification Criteria Version 2. Collection method: clinical testing. Allele origin: germline. Affected: yes. Observed: 1 variant allele.
Comment: KMT2A: PM2:Supporting, BP4, BP7

NM_001197104.2(KMT2A):c.7905C>T (p.Thr2635=)

Gene: KMT2A (lysine methyltransferase 2A; plus strand). Cytogenetic location: 11q23.3.
Variant type: single nucleotide variant.
Coding change: c.7905C>T on transcript NM_001197104.2 (MANE Select); coding-DNA position 7905, C replaced by T.
Protein change: p.Thr2635=; no amino-acid change (threonine 2635 retained).
Molecular consequence: synonymous variant.
Genome position (GRCh38, 1-based): chr11:118,503,797, C>T. VCF-style: chr11-118503797-C-T. GRCh37 (hg19) VCF-style: chr11-118374512-C-T.
Other names: c.7995C>T, p.Thr2665= (NM_001412597.1); c.7896C>T, p.Thr2632= (NM_005933.4).
Identifiers: ClinVar variation 5041091 (VCV005041091.1).